The following is an entry in ClinVar:

ClinVar aggregate classification (germline): Uncertain significance (1 of 4 stars; one submission).

gnomAD v4.1: 2 of 1,611,324 alleles (0.00012%); highest among the groups gnomAD compares: Non-Finnish European, 0.00017%; no homozygotes.

Submission:

Labcorp Genetics (formerly Invitae), Labcorp
Classification: Uncertain significance. Last evaluated: 2025-06-17. Review status: criteria provided, single submitter. Criteria: Invitae Variant Classification Sherloc (09022015). Collection method: clinical testing. Allele origin: germline.
Comment: This sequence change replaces isoleucine, which is neutral and non-polar, with valine, which is neutral and non-polar, at codon 119 of the DDX58 protein (p.Ile119Val). This variant is not present in population databases (gnomAD no frequency). This variant has not been reported in the literature in individuals affected with DDX58-related conditions. An algorithm developed to predict the effect of missense changes on protein structure and function (PolyPhen-2) suggests that this variant is likely to be tolerated. In summary, the available evidence is currently insufficient to determine the role of this variant in disease. Therefore, it has been classified as a Variant of Uncertain Significance.

NM_014314.4(RIGI):c.355A>G (p.Ile119Val)

Gene: RIGI (RNA sensor RIG-I; minus strand). Cytogenetic location: 9p21.1.
Variant type: single nucleotide variant.
Coding change: c.355A>G on transcript NM_014314.4 (MANE Select); coding-DNA position 355, A replaced by G.
Protein change: p.Ile119Val; replaces isoleucine 119 with valine.
Molecular consequence: missense variant. On other transcripts: 5 prime UTR variant (3).
Genome position (GRCh38, 1-based): chr9:32,493,829, T>C on the plus strand (A>G on the coding strand, the complement: RIGI is on the minus strand). VCF-style: chr9-32493829-T-C. GRCh37 (hg19) VCF-style: chr9-32493827-T-C.
Other names: c.355A>G, p.Ile119Val (NM_001385907.1, NM_001385909.1, NM_001385913.1); c.-100A>G (NM_001385910.1, NM_001385914.1); c.-107A>G (NM_001385912.1); short protein forms I119V.
Identifiers: ClinVar variation 4721591 (VCV004721591.1).